The following is an entry in ClinVar:

NM_000492.4(CFTR):c.647G>C (p.Trp216Ser)

Gene: CFTR (CF transmembrane conductance regulator; plus strand). Cytogenetic location: 7q31.2.
Variant type: single nucleotide variant.
Coding change: c.647G>C on transcript NM_000492.4 (MANE Select); coding-DNA position 647, G replaced by C.
Protein change: p.Trp216Ser; replaces tryptophan 216 with serine.
Molecular consequence: missense variant.
Genome position (GRCh38, 1-based): chr7:117,535,315, G>C. VCF-style: chr7-117535315-G-C. GRCh37 (hg19) VCF-style: chr7-117175369-G-C.
Other names: short protein forms W216S.
Identifiers: ClinVar variation 1753752 (VCV001753752.3), dbSNP rs397508775, ClinGen allele CA368976946.

ClinVar aggregate classification (germline): Uncertain significance (1 of 4 stars; one submission).

Conditions:
Cystic fibrosis (CF). Also called: MUCOVISCIDOSIS. Identifiers: Orphanet 586, MedGen C0010674, MONDO:0009061, OMIM 219700. Disease mechanism: loss of function.

gnomAD v4.1: 6 of 1,614,062 alleles (0.00037%); highest among the groups gnomAD compares: Non-Finnish European, 0.00051%; no homozygotes.

Submission:

Ambry Genetics
Classification: Uncertain significance for Cystic fibrosis. Last evaluated: 2025-10-23. Review status: criteria provided, single submitter. Criteria: Ambry Variant Classification Scheme 2023. Collection method: clinical testing. Allele origin: germline.
Comment: The p.W216S variant (also known as c.647G>C), located in coding exon 6 of the CFTR gene, results from a G to C substitution at nucleotide position 647. The tryptophan at codon 216 is replaced by serine, an amino acid with highly dissimilar properties. This amino acid position is highly conserved in available vertebrate species. In addition, this alteration is predicted to be deleterious by in silico analysis. Since supporting evidence is limited at this time, the clinical significance of this alteration remains unclear.